The following is an entry in ClinVar:

NM_003073.5(SMARCB1):c.790A>C (p.Ile264Leu)

Gene: SMARCB1 (SWI/SNF related BAF chromatin remodeling complex subunit B1; plus strand). Cytogenetic location: 22q11.23.
Variant type: single nucleotide variant.
Coding change: c.790A>C on transcript NM_003073.5 (MANE Select); coding-DNA position 790, A replaced by C.
Protein change: p.Ile264Leu; replaces isoleucine 264 with leucine.
Molecular consequence: missense variant.
Genome position (GRCh38, 1-based): chr22:23,816,931, A>C. VCF-style: chr22-23816931-A-C. GRCh37 (hg19) VCF-style: chr22-24159118-A-C.
Other names: c.790A>C (LRG_520t1); c.763A>C, p.Ile255Leu (NM_001007468.3); c.817A>C, p.Ile273Leu (NM_001317946.2); c.844A>C, p.Ile282Leu (NM_001362877.2); short protein forms I264L, I255L, I273L, I282L.
Identifiers: ClinVar variation 410701 (VCV000410701.10), dbSNP rs887245809, ClinGen allele CA16616542.
Genomic context (GRCh38, chr22:23,816,931, plus strand): 5'-CAGATCGAGTCCTACCCCACGGACAGCATCCTGGAGGACCAGTCAGACCAGCGCGTCATC[A>C]TCAAGGTAGGTGACTTCTCACCCAGCACTGGAGCCTTCCTGGCCCTCAGGGTGGGTGTCA-3'
Protein context (NP_003064.2, residues 254-274): LEDQSDQRVI[Ile264Leu]KLNIHVGNIS

ClinVar aggregate classification (germline): Uncertain significance (1 of 4 stars; one submission).

Submission:

Labcorp Genetics (formerly Invitae), Labcorp
Classification: Uncertain significance. Last evaluated: 2016-07-27. Review status: criteria provided, single submitter. Criteria: Invitae Variant Classification Sherloc (09022015). Collection method: clinical testing. Allele origin: germline.
Comment: Algorithms developed to predict the effect of missense changes on protein structure and function (SIFT, PolyPhen-2, Align-GVGD) all suggest that this variant is likely to be tolerated, but these predictions have not been confirmed by published functional studies. In summary, this variant is a novel missense change that is not predicted to affect protein function. There is no indication that it causes disease, but the available evidence is currently insufficient to prove that conclusively. Therefore, it has been classified as a Variant of Uncertain Significance. This variant is not present in population databases (ExAC no frequency) and has not been reported in the literature in individuals with a SMARCB1-related disease. This sequence change replaces isoleucine with leucine at codon 264 of the SMARCB1 protein (p.Ile264Leu). The isoleucine residue is highly conserved and there is a small physicochemical difference between isoleucine and leucine.